The following is an entry in ClinVar:

ClinVar aggregate classification (germline): Uncertain significance. Review status: criteria provided, multiple submitters, no conflicts (2 of 4 stars). 2 submissions from 2 submitters: Uncertain significance (2). Last evaluated 2024-11-22.

Conditions:
Hereditary cancer-predisposing syndrome. Also called: Hereditary neoplastic syndrome; Neoplastic Syndromes, Hereditary; Tumor predisposition; Hereditary Cancer Syndrome. Identifiers: Orphanet 140162, MedGen C0027672, MeSH D009386, MONDO:0015356.
Gorlin syndrome. Also called: Nevoid Basal Cell Carcinoma Syndrome; Basal cell nevus syndrome. Identifiers: Orphanet 377, MedGen C0004779, MONDO:0007187.

Submissions (2):

Ambry Genetics
Classification: Uncertain significance for Hereditary cancer-predisposing syndrome. Last evaluated: 2024-11-22. Review status: criteria provided, single submitter. Criteria: Ambry Variant Classification Scheme 2023. Collection method: clinical testing. Allele origin: germline.
Comment: The p.S1218A variant (also known as c.3652T>G), located in coding exon 22 of the PTCH1 gene, results from a T to G substitution at nucleotide position 3652. The serine at codon 1218 is replaced by alanine, an amino acid with similar properties. This amino acid position is conserved. In addition, the in silico prediction for this alteration is inconclusive. Based on the available evidence, the clinical significance of this variant remains unclear.

Labcorp Genetics (formerly Invitae), Labcorp
Classification: Uncertain significance for Gorlin syndrome. Last evaluated: 2020-07-13. Review status: criteria provided, single submitter. Criteria: Invitae Variant Classification Sherloc (09022015). Collection method: clinical testing. Allele origin: germline.
Comment: Algorithms developed to predict the effect of missense changes on protein structure and function are either unavailable or do not agree on the potential impact of this missense change (SIFT: "Deleterious"; PolyPhen-2: "Benign"; Align-GVGD: "Class C0"). In summary, the available evidence is currently insufficient to determine the role of this variant in disease. Therefore, it has been classified as a Variant of Uncertain Significance. This variant has not been reported in the literature in individuals with PTCH1-related conditions. This variant is not present in population databases (ExAC no frequency). This sequence change replaces serine with alanine at codon 1218 of the PTCH1 protein (p.Ser1218Ala). The serine residue is moderately conserved and there is a moderate physicochemical difference between serine and alanine.

NM_000264.5(PTCH1):c.3652T>G (p.Ser1218Ala)

Gene: PTCH1 (patched 1; minus strand). Cytogenetic location: 9q22.32.
Variant type: single nucleotide variant.
Coding change: c.3652T>G on transcript NM_000264.5 (MANE Select); coding-DNA position 3652, T replaced by G.
Protein change: p.Ser1218Ala; replaces serine 1218 with alanine.
Molecular consequence: missense variant. On other transcripts: non-coding transcript variant (1).
Genome position (GRCh38, 1-based): chr9:95,449,221, A>C on the plus strand (T>G on the coding strand, the complement: PTCH1 is on the minus strand). VCF-style: chr9-95449221-A-C. GRCh37 (hg19) VCF-style: chr9-98211503-A-C.
Other names: c.3652T>G (NM_000264.3); c.3454T>G, p.Ser1152Ala (NM_001083602.3); c.3649T>G, p.Ser1217Ala (NM_001083603.3); c.3199T>G, p.Ser1067Ala (NM_001083604.3, NM_001083605.3, NM_001083606.3 and 1 more transcripts); c.3496T>G, p.Ser1166Ala (NM_001354918.2); short protein forms S1067A, S1152A, S1166A, S1217A, S1218A.
Identifiers: ClinVar variation 1003729 (VCV001003729.10), dbSNP rs1838222745, ClinGen allele CA374111217.